The following is an entry in ClinVar:

NM_005120.3(MED12):c.1091G>A (p.Cys364Tyr)

Gene: MED12 (mediator complex subunit 12; plus strand). Cytogenetic location: Xq13.1.
Variant type: single nucleotide variant.
Coding change: c.1091G>A on transcript NM_005120.3 (MANE Select); coding-DNA position 1091, G replaced by A.
Protein change: p.Cys364Tyr; replaces cysteine 364 with tyrosine.
Molecular consequence: missense variant.
Genome position (GRCh38, 1-based): chrX:71,121,806, G>A. VCF-style: chrX-71121806-G-A. GRCh37 (hg19) VCF-style: chrX-70341656-G-A.
Other names: short protein forms C364Y.
Identifiers: ClinVar variation 1499177 (VCV001499177.8), dbSNP rs2147780559, ClinGen allele CA413505323.
Genomic context (GRCh38, chrX:71,121,806, plus strand): 5'-CTCCCTTTAGTGACCTGCTTATGTGCCCTCAGCACCGGCCCCTGGTTTTTGGCCTCAGCT[G>A]TATCCTACAGGTAGGTACTAGGCGGGCCCAAGGAAGCATTGAGAGATAGCCTGAGAAGAA-3'
Protein context (NP_005111.2, residues 354-374): QHRPLVFGLS[Cys364Tyr]ILQTILLCCP

ClinVar aggregate classification (germline): Uncertain significance (1 of 4 stars; one submission).

Conditions:
FG syndrome (FGS). Identifiers: MedGen C0220769, MONDO:0002010.

gnomAD v4.1: 1 of 1,212,139 alleles (0.000082%); highest among the groups gnomAD compares: African/African-American, 0.0017%; no homozygotes.

Submission:

Labcorp Genetics (formerly Invitae), Labcorp
Classification: Uncertain significance for FG syndrome. Last evaluated: 2022-07-06. Review status: criteria provided, single submitter. Criteria: Invitae Variant Classification Sherloc (09022015). Collection method: clinical testing. Allele origin: germline.
Comment: ClinVar contains an entry for this variant (Variation ID: 1499177). This variant has not been reported in the literature in individuals affected with MED12-related conditions. This variant is not present in population databases (gnomAD no frequency). This sequence change replaces cysteine, which is neutral and slightly polar, with tyrosine, which is neutral and polar, at codon 364 of the MED12 protein (p.Cys364Tyr). Advanced modeling of protein sequence and biophysical properties (such as structural, functional, and spatial information, amino acid conservation, physicochemical variation, residue mobility, and thermodynamic stability) performed at Invitae indicates that this missense variant is expected to disrupt MED12 protein function. In summary, the available evidence is currently insufficient to determine the role of this variant in disease. Therefore, it has been classified as a Variant of Uncertain Significance.